The following is an entry in ClinVar:

ClinVar aggregate classification (germline): Pathogenic. Review status: criteria provided, multiple submitters, no conflicts (2 of 4 stars). 3 submissions from 3 submitters: Pathogenic (3). Last evaluated 2025-04-10.

Conditions:
Polyglandular autoimmune syndrome, type 1 (APS1). Also called: HYPOADRENOCORTICISM WITH HYPOPARATHYROIDISM AND SUPERFICIAL MONILIASIS; Autoimmune polyendocrinopathy syndrome, type I; PGA I; Autoimmune polyendocrine syndrome type 1; AUTOIMMUNE POLYENDOCRINE SYNDROME, TYPE I, WITH OR WITHOUT REVERSIBLE METAPHYSEAL DYSPLASIA; Autoimmune polyendocrinopathy syndrome , type I, with or without reversible metaphyseal dysplasia. Identifiers: Orphanet 3453, MedGen C0085859, MONDO:0009411, OMIM 240300.

Allele frequency attached by ClinVar (database versions not stated): gnomAD exomes below 0.00001; gnomAD 0.00001.

Submissions (3):

Natera, Inc.
Classification: Pathogenic for Polyglandular autoimmune syndrome type 1. Last evaluated: 2025-04-10. Review status: criteria provided, single submitter. Criteria: Natera Variant Classification Schema (03/2026). Collection method: clinical testing. Allele origin: germline.
Comment: The c.1045C>T variant in AIRE is a nonsense variant predicted to introduce a stop codon at amino acid 349. This variant is expected to result in nonsense mediated decay, truncation, or a dysfunctional protein product. This variant is rare in the general population with a frequency below the threshold expected for the associated phenotype(s). This variant has been observed in one or more individuals affected with the associated recessive disease, as either homozygous or compound heterozygous with a second variant (PMID: 37898571). Given the available evidence, this variant is classified as Pathogenic.

Fulgent Genetics
Classification: Pathogenic for Polyglandular autoimmune syndrome, type 1. Last evaluated: 2024-05-28. Review status: criteria provided, single submitter. Criteria: ACMG Guidelines, 2015. Collection method: clinical testing. Allele origin: germline.

Labcorp Genetics (formerly Invitae), Labcorp
Classification: Pathogenic for Polyglandular autoimmune syndrome, type 1. Last evaluated: 2023-07-26. Review status: criteria provided, single submitter. Criteria: Invitae Variant Classification Sherloc (09022015). Collection method: clinical testing. Allele origin: germline.
Comment: For these reasons, this variant has been classified as Pathogenic. This sequence change creates a premature translational stop signal (p.Gln349*) in the AIRE gene. It is expected to result in an absent or disrupted protein product. Loss-of-function variants in AIRE are known to be pathogenic (PMID: 11524731, 26141571). This variant is not present in population databases (gnomAD no frequency). This variant has not been reported in the literature in individuals affected with AIRE-related conditions.

Literature cited by the submitters: PubMed 37898571 (cited by Natera, Inc.); PubMed 11524731 (cited by Labcorp Genetics (formerly Invitae), Labcorp); PubMed 26141571 (cited by Labcorp Genetics (formerly Invitae), Labcorp).

NM_000383.4(AIRE):c.1045C>T (p.Gln349Ter)

Gene: AIRE (autoimmune regulator; plus strand). Cytogenetic location: 21q22.3.
Variant type: single nucleotide variant.
Coding change: c.1045C>T on transcript NM_000383.4 (MANE Select); coding-DNA position 1045, C replaced by T.
Protein change: p.Gln349Ter; replaces glutamine 349 with a stop codon.
Molecular consequence: nonsense.
Genome position (GRCh38, 1-based): chr21:44,292,351, C>T. VCF-style: chr21-44292351-C-T. GRCh37 (hg19) VCF-style: chr21-45712234-C-T.
Other names: c.1045C>T (NM_000383.3); short protein forms Q349*.
Identifiers: ClinVar variation 2962672 (VCV002962672.6), dbSNP rs2040549725, ClinGen allele CA410425149.
Genomic context (GRCh38, chr21:44,292,351, plus strand): 5'-CACACGAGCAGTGGGACCTGGAGGTGCTCCAGCTGCCTGCAGGCAACAGTCCAGGAGGTG[C>T]AGCCCCGGGCAGAGGAGCCCCGGCCCCAGGAGCCACCCGTGGAGACCCCGGTATGGCCAC-3'